The following is an entry in ClinVar:

NM_006231.4(POLE):c.1811A>G (p.Lys604Arg)

Gene: POLE (DNA polymerase epsilon, catalytic subunit; minus strand). Cytogenetic location: 12q24.33.
Variant type: single nucleotide variant.
Coding change: c.1811A>G on transcript NM_006231.4 (MANE Select); coding-DNA position 1811, A replaced by G.
Protein change: p.Lys604Arg; replaces lysine 604 with arginine.
Molecular consequence: missense variant.
Genome position (GRCh38, 1-based): chr12:132,668,923, T>C on the plus strand (A>G on the coding strand, the complement: POLE is on the minus strand). VCF-style: chr12-132668923-T-C. GRCh37 (hg19) VCF-style: chr12-133245509-T-C.
Other names: short protein forms K604R.
Identifiers: ClinVar variation 2765562 (VCV002765562.3), dbSNP rs2542105344, ClinGen allele CA387355612.
Genomic context (GRCh38, chr12:132,668,923, plus strand): 5'-TGGTAGATGAGTGGACACTCGATGCGGCTGGGAACGTCCTTCAGGGAGGCAAGCTTGCTC[T>C]TAATCTCATCACACACCTGCAGAGAAAGCGAAACTCAGTAGAGGCTGGTGACCAAGCTTG-3'
Protein context (NP_006222.2, residues 594-614): TNFEEVCDEI[Lys604Arg]SKLASLKDVP

ClinVar aggregate classification (germline): Uncertain significance (1 of 4 stars; one submission).

Submission:

Labcorp Genetics (formerly Invitae), Labcorp
Classification: Uncertain significance. Last evaluated: 2024-05-20. Review status: criteria provided, single submitter. Criteria: Invitae Variant Classification Sherloc (09022015). Collection method: clinical testing. Allele origin: germline.
Comment: This sequence change replaces lysine, which is basic and polar, with arginine, which is basic and polar, at codon 604 of the POLE protein (p.Lys604Arg). This variant is not present in population databases (gnomAD no frequency). This variant has not been reported in the literature in individuals affected with POLE-related conditions. Advanced modeling of protein sequence and biophysical properties (such as structural, functional, and spatial information, amino acid conservation, physicochemical variation, residue mobility, and thermodynamic stability) performed at Invitae indicates that this missense variant is not expected to disrupt POLE protein function with a negative predictive value of 80%. In summary, the available evidence is currently insufficient to determine the role of this variant in disease. Therefore, it has been classified as a Variant of Uncertain Significance.